The following is an entry in ClinVar:

NM_001353921.2(ARHGEF9):c.400G>T (p.Glu134Ter)

Gene: ARHGEF9 (Cdc42 guanine nucleotide exchange factor 9; minus strand). Cytogenetic location: Xq11.1.
Variant type: single nucleotide variant.
Coding change: c.400G>T on transcript NM_001353921.2 (MANE Select); coding-DNA position 400, G replaced by T.
Protein change: p.Glu134Ter; replaces glutamic acid 134 with a stop codon.
Molecular consequence: nonsense. On other transcripts: 5 prime UTR variant (1).
Genome position (GRCh38, 1-based): chrX:63,706,260, C>A on the plus strand (G>T on the coding strand, the complement: ARHGEF9 is on the minus strand). VCF-style: chrX-63706260-C-A. GRCh37 (hg19) VCF-style: chrX-62926140-C-A.
Other names: c.220G>T, p.Glu74Ter (NM_001173479.2); c.73G>T, p.Glu25Ter (NM_001173480.2, NM_001369042.1); c.316G>T, p.Glu106Ter (NM_001330495.2, NM_001353927.2, NM_001369033.1 and 8 more transcripts); c.400G>T, p.Glu134Ter (NM_001353922.2); c.418G>T, p.Glu140Ter (NM_001353923.1); c.199G>T, p.Glu67Ter (NM_001353924.2, NM_001353926.2, NM_001369039.1 and 1 more transcripts); c.379G>T, p.Glu127Ter (NM_001353928.2, NM_001369030.1, NM_001369031.1 and 2 more transcripts); c.-304G>T (NM_001369045.1); short protein forms E106*, E127*, E134*, E140*, E25*, E67*, E74*.
Identifiers: ClinVar variation 5042041 (VCV005042041.1).

ClinVar aggregate classification (germline): Pathogenic (1 of 4 stars; one submission).

Conditions:
Developmental and epileptic encephalopathy, 8 (DEE8). Also called: HYPEREKPLEXIA AND EPILEPSY. Identifiers: Orphanet 163985, Orphanet 2076, MedGen C1845102, MONDO:0010375, OMIM 300607.

Submission:

Clinical Genetics Laboratory, University Hospital Schleswig-Holstein
Classification: Pathogenic for Developmental and epileptic encephalopathy, 8. Last evaluated: 2025-04-28. Review status: criteria provided, single submitter. Criteria: ACMG Guidelines, 2015. Collection method: clinical testing. Allele origin: de novo. Affected: yes. Observed: 1 heterozygote.
Comment: ACMG criteria applied: PM2, PVS1, PS2_Supporting